The following is an entry in ClinVar:

NM_025099.6(CTC1):c.3272A>G (p.His1091Arg)

Gene: CTC1 (CST telomere replication complex component 1; minus strand). Cytogenetic location: 17p13.1.
Variant type: single nucleotide variant.
Coding change: c.3272A>G on transcript NM_025099.6 (MANE Select); coding-DNA position 3272, A replaced by G.
Protein change: p.His1091Arg; replaces histidine 1091 with arginine.
Molecular consequence: missense variant. On other transcripts: non-coding transcript variant (1).
Genome position (GRCh38, 1-based): chr17:8,228,842, T>C on the plus strand (A>G on the coding strand, the complement: CTC1 is on the minus strand). VCF-style: chr17-8228842-T-C. GRCh37 (hg19) VCF-style: chr17-8132160-T-C.
Other names: short protein forms H1091R.
Identifiers: ClinVar variation 645325 (VCV000645325.8), dbSNP rs1597373397, ClinGen allele CA397969339.

ClinVar aggregate classification (germline): Uncertain significance (1 of 4 stars; one submission).

Conditions:
Dyskeratosis congenita. Identifiers: Orphanet 1775, MedGen C0265965, MONDO:0015780.

Allele frequency attached by ClinVar (database versions not stated): gnomAD exomes below 0.00001.
gnomAD v4.1: 1 of 1,613,962 alleles (0.000062%); highest among the groups gnomAD compares: East Asian, 0.0022%; no homozygotes.

Submission:

Labcorp Genetics (formerly Invitae), Labcorp
Classification: Uncertain significance for Dyskeratosis congenita. Last evaluated: 2018-10-29. Review status: criteria provided, single submitter. Criteria: Invitae Variant Classification Sherloc (09022015). Collection method: clinical testing. Allele origin: germline.
Comment: This sequence change replaces histidine with arginine at codon 1091 of the CTC1 protein (p.His1091Arg). The histidine residue is highly conserved and there is a small physicochemical difference between histidine and arginine. This variant is not present in population databases (ExAC no frequency). This variant has not been reported in the literature in individuals with CTC1-related disease. Algorithms developed to predict the effect of missense changes on protein structure and function are either unavailable or do not agree on the potential impact of this missense change (SIFT: "Tolerated"; PolyPhen-2: "Possibly Damaging"; Align-GVGD: "Class C0"). In summary, the available evidence is currently insufficient to determine the role of this variant in disease. Therefore, it has been classified as a Variant of Uncertain Significance.